The following is an entry in ClinVar:

NM_005557.4(KRT16):c.121C>G (p.Arg41Gly)

Gene: KRT16 (keratin 16; minus strand). Cytogenetic location: 17q21.2.
Variant type: single nucleotide variant.
Coding change: c.121C>G on transcript NM_005557.4 (MANE Select); coding-DNA position 121, C replaced by G.
Protein change: p.Arg41Gly; replaces arginine 41 with glycine.
Molecular consequence: missense variant.
Genome position (GRCh38, 1-based): chr17:41,612,568, G>C on the plus strand (C>G on the coding strand, the complement: KRT16 is on the minus strand). VCF-style: chr17-41612568-G-C. GRCh37 (hg19) VCF-style: chr17-39768820-G-C.
Other names: short protein forms R41G.
Identifiers: ClinVar variation 4740530 (VCV004740530.1).

ClinVar aggregate classification (germline): Uncertain significance (1 of 4 stars; one submission).

gnomAD v4.1: 2 of 1,595,230 alleles (0.00013%); highest among the groups gnomAD compares: Non-Finnish European, 0.00017%; no homozygotes.

Submission:

Labcorp Genetics (formerly Invitae), Labcorp
Classification: Uncertain significance. Last evaluated: 2025-07-16. Review status: criteria provided, single submitter. Criteria: Invitae Variant Classification Sherloc (09022015). Collection method: clinical testing. Allele origin: germline.
Comment: This sequence change replaces arginine, which is basic and polar, with glycine, which is neutral and non-polar, at codon 41 of the KRT16 protein (p.Arg41Gly). This variant is present in population databases (no rsID available, gnomAD 0.007%). This variant has not been reported in the literature in individuals affected with KRT16-related conditions. Invitae Evidence Modeling of protein sequence and biophysical properties (such as structural, functional, and spatial information, amino acid conservation, physicochemical variation, residue mobility, and thermodynamic stability) indicates that this missense variant is not expected to disrupt KRT16 protein function with a negative predictive value of 95%. In summary, the available evidence is currently insufficient to determine the role of this variant in disease. Therefore, it has been classified as a Variant of Uncertain Significance.